The following is an entry in ClinVar:

ClinVar aggregate classification (germline): not provided (0 of 4 stars; one submission).

gnomAD v4.1: 1 of 1,614,204 alleles (0.000062%); no homozygotes.

Submission:

Human Evolutionary Genetics, Institut Pasteur
No classification provided. Review status: no classification provided. Collection method: not provided. Allele origin: germline.
ClinVar note: Converted during submission from untested to not provided.

NM_001384950.1(NLRC5):c.1625C>A (p.Thr542Asn)

Gene: NLRC5 (NLR family CARD domain containing 5; plus strand). Cytogenetic location: 16q13.
Variant type: single nucleotide variant.
Coding change: c.1625C>A on transcript NM_001384950.1 (MANE Select); coding-DNA position 1625, C replaced by A.
Protein change: p.Thr542Asn; replaces threonine 542 with asparagine.
Molecular consequence: missense variant. On other transcripts: non-coding transcript variant (9).
Genome position (GRCh38, 1-based): chr16:57,026,568, C>A. VCF-style: chr16-57026568-C-A. GRCh37 (hg19) VCF-style: chr16-57060480-C-A.
Other names: c.1625C>A, p.Thr542Asn (NM_001330552.2, NM_001384951.1, NM_001384952.1 and 21 more transcripts); c.1454C>A, p.Thr485Asn (NM_001384972.1); short protein forms T542N, T485N.
Identifiers: ClinVar variation 103155 (VCV000103155.2), dbSNP rs199475974, ClinGen allele CA230197.